The following is an entry in ClinVar:

ClinVar aggregate classification (germline): Likely benign. Review status: criteria provided, multiple submitters, no conflicts (2 of 4 stars). 5 submissions from 5 submitters: Likely benign (3). 2 of the submissions do not count toward it. Last evaluated 2026-02-01.

Conditions:
APPL1-related disorder. Also called: APPL1-related condition.

Allele frequency attached by ClinVar (database versions not stated): TOPMed 0.00020; ESP Exome Variant Server 0.00023; gnomAD 0.00033; 1000 Genomes Project 30x 0.00047; ExAC 0.00050; 1000 Genomes Project 0.00060.
gnomAD v4.1: 392 of 1,605,442 alleles (0.024%); highest among the groups gnomAD compares: Non-Finnish European, 0.024%; no homozygotes.

Submissions (5):

Labcorp Genetics (formerly Invitae), Labcorp
Classification: Likely benign. Last evaluated: 2026-02-01. Review status: criteria provided, single submitter. Criteria: Invitae Variant Classification Sherloc (09022015). Collection method: clinical testing. Allele origin: germline.

Blueprint Genetics
Classification: Likely benign. Last evaluated: 2024-11-26. Review status: criteria provided, single submitter. Criteria: ACMG Guidelines, 2015. Collection method: clinical testing. Allele origin: germline.

Women's Health and Genetics/Laboratory Corporation of America, LabCorp
Classification: Likely benign. Last evaluated: 2024-11-19. Review status: criteria provided, single submitter. Criteria: LabCorp Variant Classification Summary - May 2015. Collection method: clinical testing. Allele origin: germline.

PreventionGenetics, part of Exact Sciences
Classification: Likely benign for APPL1-related condition. Last evaluated: 2024-08-14. Review status: no assertion criteria provided. Collection method: clinical testing. Allele origin: germline. Not counted in ClinVar's aggregate classification.
Comment: This variant is classified as likely benign based on ACMG/AMP sequence variant interpretation guidelines (Richards et al. 2015 PMID: 25741868, with internal and published modifications).

Genetic Services Laboratory, University of Chicago
Classification: Likely benign. Last evaluated: 2022-11-12. Review status: no assertion criteria provided. Collection method: clinical testing. Allele origin: germline. Affected: no. Not counted in ClinVar's aggregate classification.

NM_012096.3(APPL1):c.1089T>C (p.His363=)

Gene: APPL1 (adaptor protein, phosphotyrosine interacting with PH domain and leucine zipper 1; plus strand). Cytogenetic location: 3p14.3.
Variant type: single nucleotide variant.
Coding change: c.1089T>C on transcript NM_012096.3 (MANE Select); coding-DNA position 1089, T replaced by C.
Protein change: p.His363=; no amino-acid change (histidine 363 retained).
Molecular consequence: synonymous variant.
Genome position (GRCh38, 1-based): chr3:57,252,305, T>C. VCF-style: chr3-57252305-T-C. GRCh37 (hg19) VCF-style: chr3-57286333-T-C.
Other names: c.1089T>C (NM_012096.2).
Identifiers: ClinVar variation 2074403 (VCV002074403.9), dbSNP rs34321969, ClinGen allele CA2463702.
Genomic context (GRCh38, chr3:57,252,305, plus strand): 5'-GCTCAAACGTCTCTTCTCTTCCAGATCTTCAATTTTGCAAGCAGAGAGTAAAAAAGATCA[T>C]GAAGAGGTAAGATTTTACCTAGTTCATTTCTTCATTGACATTTTAAAATATTTTTCTGAT-3'
Protein context (NP_036228.1, residues 353-373): SILQAESKKD[His363=]EEWICTINNI